The following is an entry in ClinVar:

ClinVar aggregate classification (germline): Uncertain significance. Review status: criteria provided, multiple submitters, no conflicts (2 of 4 stars). 2 submissions from 2 submitters: Uncertain significance (2). Last evaluated 2023-12-18.

Conditions:
Hereditary hyperekplexia. Identifiers: MONDO:0021022, Orphanet 3197, MedGen C4084968.
Inborn genetic diseases. Identifiers: MedGen C0950123, MeSH D030342.

Allele frequency attached by ClinVar (database versions not stated): TOPMed below 0.00001; ExAC 0.00002; gnomAD exomes 0.00002 and 0.00003.
gnomAD v4.1: 32 of 1,614,134 alleles (0.002%); highest among the groups gnomAD compares: East Asian, 0.029%; no homozygotes.

Submissions (2):

Ambry Genetics
Classification: Uncertain significance for Inborn genetic diseases. Last evaluated: 2023-12-18. Review status: criteria provided, single submitter. Criteria: Ambry Variant Classification Scheme 2023. Collection method: clinical testing. Allele origin: germline.

Labcorp Genetics (formerly Invitae), Labcorp
Classification: Uncertain significance for Hereditary hyperekplexia. Last evaluated: 2023-10-25. Review status: criteria provided, single submitter. Criteria: Invitae Variant Classification Sherloc (09022015). Collection method: clinical testing. Allele origin: germline.
Comment: This sequence change replaces serine, which is neutral and polar, with phenylalanine, which is neutral and non-polar, at codon 400 of the GLRA1 protein (p.Ser400Phe). This variant is present in population databases (rs780710712, gnomAD 0.02%). This variant has not been reported in the literature in individuals affected with GLRA1-related conditions. ClinVar contains an entry for this variant (Variation ID: 646104). Advanced modeling of protein sequence and biophysical properties (such as structural, functional, and spatial information, amino acid conservation, physicochemical variation, residue mobility, and thermodynamic stability) has been performed at Invitae for this missense variant, however the output from this modeling did not meet the statistical confidence thresholds required to predict the impact of this variant on GLRA1 protein function. In summary, the available evidence is currently insufficient to determine the role of this variant in disease. Therefore, it has been classified as a Variant of Uncertain Significance.

NM_000171.4(GLRA1):c.1199C>T (p.Ser400Phe)

Gene: GLRA1 (glycine receptor alpha 1; minus strand). Cytogenetic location: 5q33.1.
Variant type: single nucleotide variant.
Coding change: c.1199C>T on transcript NM_000171.4 (MANE Select); coding-DNA position 1199, C replaced by T.
Protein change: p.Ser400Phe; replaces serine 400 with phenylalanine.
Molecular consequence: missense variant.
Genome position (GRCh38, 1-based): chr5:151,822,824, G>A on the plus strand (C>T on the coding strand, the complement: GLRA1 is on the minus strand). VCF-style: chr5-151822824-G-A. GRCh37 (hg19) VCF-style: chr5-151202385-G-A.
Other names: c.1223C>T, p.Ser408Phe (NM_001146040.2); c.950C>T, p.Ser317Phe (NM_001292000.2); short protein forms S408F, S317F, S400F.
Identifiers: ClinVar variation 646104 (VCV000646104.9), dbSNP rs780710712, ClinGen allele CA3523484.